The following is an entry in ClinVar:

ClinVar aggregate classification (germline): Likely benign. Review status: criteria provided, multiple submitters, no conflicts (2 of 4 stars). 2 submissions from 2 submitters: Likely benign (2). Last evaluated 2018-06-16.

Allele frequency attached by ClinVar (database versions not stated): ExAC 0.00422; ESP Exome Variant Server 0.01184; gnomAD 0.01239 and 0.01318; TOPMed 0.01424; 1000 Genomes Project 30x 0.01483; 1000 Genomes Project 0.01518.
gnomAD v4.1: 3,669 of 1,501,588 alleles (0.24%); highest among the groups gnomAD compares: African/African-American, 4.4%; 97 homozygotes.

Submissions (2):

GeneDx
Classification: Likely benign. Last evaluated: 2018-06-16. Review status: criteria provided, single submitter. Criteria: GeneDx Variant Classification (06012015). Collection method: clinical testing. Allele origin: germline. Affected: yes.
Comment: This variant is considered likely benign or benign based on one or more of the following criteria: it is a conservative change, it occurs at a poorly conserved position in the protein, it is predicted to be benign by multiple in silico algorithms, and/or has population frequency not consistent with disease.

Breakthrough Genomics
Classification: Likely benign. Review status: criteria provided, single submitter. Criteria: ACMG Guidelines, 2015. Collection method: not provided. Allele origin: germline. Inheritance: Autosomal recessive inheritance. Affected: yes.

NM_203447.4(DOCK8):c.6068+22A>G

Gene: DOCK8 (dedicator of cytokinesis 8; plus strand). Cytogenetic location: 9p24.3.
Variant type: single nucleotide variant.
Coding change: c.6068+22A>G on transcript NM_203447.4 (MANE Select); 22 bases into the intron after coding-DNA position 6068, A replaced by G.
Molecular consequence: intron variant.
Genome position (GRCh38, 1-based): chr9:452,139, A>G. VCF-style: chr9-452139-A-G. GRCh37 (hg19) VCF-style: chr9-452139-A-G.
Other names: c.5864+22A>G (NM_001193536.2); c.5768+22A>G (NM_001190458.2).
Identifiers: ClinVar variation 675923 (VCV000675923.2), dbSNP rs79815230, ClinGen allele CA4959659.
Genomic context (GRCh38, chr9:452,139, plus strand): 5'-CAACAAGTTGAGGTTATGCTTTAAGGAATTCATCATGAGGTAAGAAGGAAAATGGCTGGG[A>G]ATTTCAGTAGAGCAGTGGTTCTCAAAGTGCAATCTTAGACCAGCAGCTTCAGCATCACCT-3'